The following is an entry in ClinVar:

ClinVar aggregate classification (germline): Likely benign (0 of 4 stars; one submission).

Allele frequency attached by ClinVar (database versions not stated): TOPMed below 0.00001; gnomAD 0.00002; ExAC 0.00003; gnomAD exomes 0.00003 and 0.00004; 1000 Genomes Project 30x 0.00016; 1000 Genomes Project 0.00020.
gnomAD v4.1: 50 of 1,614,002 alleles (0.0031%); highest among the groups gnomAD compares: South Asian, 0.053%; no homozygotes.

Submission:

Department of Pathology and Laboratory Medicine, Sinai Health System
Classification: Likely benign. Review status: no assertion criteria provided. Collection method: clinical testing. Allele origin: unknown. Affected: yes. Study: The Canadian Open Genetics Repository (COGR).
Comment: The PRKD1 p.Thr128Arg variant was not identified in the literature nor was it identified in ClinVar. The variant was identified in dbSNP (ID: rs571479464) and in control databases in 11 of 251374 chromosomes at a frequency of 0.00004376 (Genome Aggregation Database March 6, 2019, v2.1.1). The variant was observed in the South Asian population in 11 of 30616 chromosomes (freq: 0.000359), but was not observed in the African, Latino, Ashkenazi Jewish, East Asian, European (Finnish), European (non-Finnish), or Other populations. The p.Thr128 residue is not conserved in mammals and computational analyses (PolyPhen-2, SIFT, AlignGVGD, BLOSUM, MutationTaster) provide inconsistent predictions regarding the impact to the protein; this information is not very predictive of pathogenicity. The variant occurs outside of the splicing consensus sequence and three of four in silico or computational prediction software programs (SpliceSiteFinder, MaxEntScan, NNSPLICE, GeneSplicer) do not predict a greater than 10% difference in splicing; this is not very predictive of pathogenicity. In summary, based on the above information the clinical significance of this variant cannot be determined with certainty at this time although we would lean towards a more benign role for this variant. This variant is classified as likely benign.

NM_002742.3(PRKD1):c.671C>G (p.Thr224Arg)

Gene: PRKD1 (protein kinase D1; minus strand). Cytogenetic location: 14q12.
Variant type: single nucleotide variant.
Coding change: c.671C>G on transcript NM_002742.3 (MANE Select); coding-DNA position 671, C replaced by G.
Protein change: p.Thr224Arg; replaces threonine 224 with arginine.
Molecular consequence: missense variant.
Genome position (GRCh38, 1-based): chr14:29,663,724, G>C on the plus strand (C>G on the coding strand, the complement: PRKD1 is on the minus strand). VCF-style: chr14-29663724-G-C. GRCh37 (hg19) VCF-style: chr14-30132930-G-C.
Other names: c.671C>G, p.Thr224Arg (NM_001330069.2); c.383C>G, p.Thr128Arg (NM_001348390.1); short protein forms T128R, T224R.
Identifiers: ClinVar variation 1049219 (VCV001049219.1), dbSNP rs571479464, ClinGen allele CA7141420.